The following is an entry in ClinVar:

ClinVar aggregate classification (germline): Uncertain significance (1 of 4 stars; one submission).

Conditions:
UTP4-related disorder. Also called: UTP4-related condition.

gnomAD v4.1: 25 of 1,614,122 alleles (0.0015%); highest among the groups gnomAD compares: Admixed American, 0.038%; no homozygotes.

Submission:

PreventionGenetics, part of Exact Sciences
Classification: Uncertain significance for UTP4-related condition. Last evaluated: 2026-08-26. Review status: criteria provided, single submitter. Criteria: ACMG Guidelines, 2015. Collection method: clinical testing. Allele origin: germline.
Comment: The UTP4 c.575C>G variant is predicted to result in the amino acid substitution p.Ser192Cys. To our knowledge, this variant has not been reported in the literature. This variant is reported in 0.058% of alleles in individuals of Latino descent in gnomAD. Although we suspect that this variant may be benign, at this time, the clinical significance of this variant is uncertain due to the absence of conclusive functional and genetic evidence.

NM_032830.3(UTP4):c.575C>G (p.Ser192Cys)

Gene: UTP4 (UTP4 small subunit processome component). Cytogenetic location: 16q22.1.
Variant type: single nucleotide variant.
Coding change: c.575C>G on transcript NM_032830.3 (MANE Select); coding-DNA position 575, C replaced by G.
Protein change: p.Ser192Cys; replaces serine 192 with cysteine.
Molecular consequence: missense variant.
Genome position (GRCh38, 1-based): chr16:69,143,226, C>G. VCF-style: chr16-69143226-C-G. GRCh37 (hg19) VCF-style: chr16-69177129-C-G.
Other names: c.326C>G, p.Ser109Cys (NM_001318391.2); short protein forms S109C, S192C.
Identifiers: ClinVar variation 3351547 (VCV003351547.2).